The following is an entry in ClinVar:

NM_004727.3(SLC24A1):c.1950G>A (p.Pro650=)

Gene: SLC24A1 (solute carrier family 24 member 1; plus strand). Cytogenetic location: 15q22.31.
Variant type: single nucleotide variant.
Coding change: c.1950G>A on transcript NM_004727.3 (MANE Select); coding-DNA position 1950, G replaced by A.
Protein change: p.Pro650=; no amino-acid change (proline 650 retained).
Molecular consequence: synonymous variant.
Genome position (GRCh38, 1-based): chr15:65,639,600, G>A. VCF-style: chr15-65639600-G-A. GRCh37 (hg19) VCF-style: chr15-65931938-G-A.
Other names: c.1950G>A (NM_004727.2); c.1950G>A, p.Pro650= (NM_001301031.1); c.1896G>A, p.Pro632= (NM_001301032.1, NM_001301033.2).
Identifiers: ClinVar variation 1146840 (VCV001146840.11), dbSNP rs200294071, ClinGen allele CA7620045.

ClinVar aggregate classification (germline): Likely benign. Review status: criteria provided, multiple submitters, no conflicts (2 of 4 stars). 3 submissions from 3 submitters: Likely benign (3). Last evaluated 2026-02-02.

Conditions:
SLC24A1-related disorder. Also called: SLC24A1-related condition.

Allele frequency attached by ClinVar (database versions not stated): gnomAD 0.00002 and 0.00003; ExAC 0.00003; gnomAD exomes 0.00004; TOPMed 0.00009; 1000 Genomes Project 30x 0.00016; 1000 Genomes Project 0.00020.
gnomAD v4.1: 60 of 1,606,660 alleles (0.0037%); highest among the groups gnomAD compares: Admixed American, 0.014%; no homozygotes.

Submissions (3):

PreventionGenetics, part of Exact Sciences
Classification: Likely benign for SLC24A1-related condition. Last evaluated: 2026-02-02. Review status: criteria provided, single submitter. Criteria: ACMG Guidelines, 2015. Collection method: clinical testing. Allele origin: germline.
Comment: This variant is classified as likely benign based on ACMG/AMP sequence variant interpretation guidelines (Richards et al. 2015 PMID: 25741868, with internal and published modifications).

Labcorp Genetics (formerly Invitae), Labcorp
Classification: Likely benign. Last evaluated: 2025-07-02. Review status: criteria provided, single submitter. Criteria: Invitae Variant Classification Sherloc (09022015). Collection method: clinical testing. Allele origin: germline.

Blueprint Genetics
Classification: Likely benign. Last evaluated: 2022-06-13. Review status: criteria provided, single submitter. Criteria: ACMG Guidelines, 2015. Collection method: clinical testing. Allele origin: germline.